The following is an entry in ClinVar:

NM_001453.3(FOXC1):c.824dup (p.Ser276fs)

Gene: FOXC1 (forkhead box C1; plus strand). Cytogenetic location: 6p25.3.
Variant type: Duplication.
Coding change: c.824dup on transcript NM_001453.3 (MANE Select); coding-DNA position 824, one base duplicated (G; older notation c.824dupG).
Protein change: p.Ser276fs; shifts the reading frame from serine 276.
Molecular consequence: frameshift variant.
Genome position (GRCh38, 1-based): chr6:1,611,269, G duplicated; the last of 3 consecutive G bases (chr6:1,611,267-1,611,269); duplicating any one gives the same sequence. VCF-style (leftmost placement, unchanged base first): chr6-1611266-C-CG. GRCh37 (hg19) VCF-style: chr6-1611501-C-CG.
Other names: short protein forms S276fs.
Identifiers: ClinVar variation 3775503 (VCV003775503.1).

ClinVar aggregate classification (germline): Likely pathogenic (1 of 4 stars; one submission).

Conditions:
Anterior segment dysgenesis 3 (ASGD3). Also called: Glaucoma iridogoniodysplasia, familial; IRIDOGONIODYSGENESIS ANOMALY, AUTOSOMAL DOMINANT. Identifiers: Orphanet 91483, MedGen C5975707, MONDO:0024456, OMIM 601631.

Submission:

3billion
Classification: Likely pathogenic for Anterior segment dysgenesis 3. Last evaluated: 2023-08-30. Review status: criteria provided, single submitter. Criteria: ACMG Guidelines, 2015. Collection method: clinical testing. Allele origin: germline. Affected: yes.
Comment: The variant is not observed in the gnomAD v2.1.1 dataset. Predicted Consequence/Location: Frameshift: predicted to result in a loss or disruption of normal protein function through protein truncation. The predicted truncated protein may be shortened by more than 10%. Therefore, this variant is classified as Likely pathogenic according to the recommendation of ACMG/AMP guideline.